The following is an entry in ClinVar:

ClinVar aggregate classification (germline): Uncertain significance. Review status: criteria provided, multiple submitters, no conflicts (2 of 4 stars). 5 submissions from 2 submitters: Uncertain significance (5). Last evaluated 2018-03-16.

Conditions:
Transitory neonatal diabetes mellitus. Also called: Transient neonatal diabetes mellitus. Identifiers: MedGen C0342273, MONDO:0020525, HP:0008255.
Maturity-onset diabetes of the young (MODY). Also called: Maturity onset diabetes mellitus in young. Identifiers: Orphanet 552, MedGen C0342276, MONDO:0018911, HP:0004904.
Permanent neonatal diabetes mellitus (PNDM). Identifiers: Orphanet 99885, MedGen C1833104, MONDO:0100164, MONDO:0011643. Disease mechanism: gain of function.
Diabetes mellitus, transient neonatal, 2 (TNDM2). Identifiers: Orphanet 99886, MedGen C1835887, MONDO:0012480, OMIM 610374. Disease mechanism: loss of function.
Hyperinsulinemic hypoglycemia, familial, 1 (HHF1). Also called: Persistent hyperinsulinemic hypoglycemia of infancy; Persistent Hyperinsulinemia Hypoglycemia of Infancy; HYPERINSULINISM, FAMILIAL, WITH PANCREATIC NESIDIOBLASTOSIS; HYPOGLYCEMIA, HYPERINSULINEMIC, OF INFANCY; NESIDIOBLASTOSIS OF PANCREAS. Identifiers: Orphanet 276575, Orphanet 276598, MedGen C2931832, MONDO:0009734, OMIM 256450.

Submissions (5):

Illumina Laboratory Services, Illumina
Classification: Uncertain significance for Permanent neonatal diabetes mellitus 1. Last evaluated: 2018-03-16. Review status: criteria provided, single submitter. Criteria: ICSL Variant Classification Criteria 13 December 2019. Collection method: clinical testing. Allele origin: germline.

Illumina Laboratory Services, Illumina
Classification: Uncertain significance for Hyperinsulinemic hypoglycemia, familial, 1. Last evaluated: 2018-03-16. Review status: criteria provided, single submitter. Criteria: ICSL Variant Classification Criteria 13 December 2019. Collection method: clinical testing. Allele origin: germline.

Illumina Laboratory Services, Illumina
Classification: Uncertain significance for Diabetes mellitus, transient neonatal, 2. Last evaluated: 2018-03-16. Review status: criteria provided, single submitter. Criteria: ICSL Variant Classification Criteria 13 December 2019. Collection method: clinical testing. Allele origin: germline.

Clinical Genomics, Uppaluri K&H Personalized Medicine Clinic
Classification: Uncertain significance for Maturity-onset diabetes of the young. Review status: criteria provided, single submitter. Criteria: K & H Uppaluri Personalized Medicine Clinic Variant Classification & Assertion Criteria_Updated V.1. Collection method: research. Allele origin: unknown. Inheritance: Somatic mutation.
Comment: Mutations in ABCC8 gene are associated with both neonatal diabetes mellitus as well as MODY. Patients with this mutation may have a better response to sulfonylureas. However, no sufficient evidence is found to ascertain the role of this particular variant ( rs1956631543) in MODY yet.

Clinical Genomics, Uppaluri K&H Personalized Medicine Clinic
Classification: Uncertain significance for Transitory neonatal diabetes mellitus. Review status: criteria provided, single submitter. Criteria: K & H Uppaluri Personalized Medicine Clinic Variant Classification & Assertion Criteria_Updated V.1. Collection method: research. Allele origin: unknown. Inheritance: Somatic mutation.
Comment: Mutations in ABCC8 gene are associated with both neonatal diabetes mellitus as well as MODY. Patients with this mutation may have a better response to sulfonylureas. However, no sufficient evidence is found to ascertain the role of this particular variant ( rs1956631543) in neonatal diabetes yet.

Literature cited by the submitters: PubMed 16885549 (cited by Clinical Genomics, Uppaluri K&H Personalized Medicine Clinic); PubMed 21989597 (cited by Clinical Genomics, Uppaluri K&H Personalized Medicine Clinic); PubMed 27538677 (cited by Clinical Genomics, Uppaluri K&H Personalized Medicine Clinic); PubMed 18981553 (cited by Clinical Genomics, Uppaluri K&H Personalized Medicine Clinic); PubMed 32027066 (cited by Clinical Genomics, Uppaluri K&H Personalized Medicine Clinic); PubMed 16613899 (cited by Clinical Genomics, Uppaluri K&H Personalized Medicine Clinic); PubMed 18025408 (cited by Clinical Genomics, Uppaluri K&H Personalized Medicine Clinic); PubMed 32792356 (cited by Clinical Genomics, Uppaluri K&H Personalized Medicine Clinic).

NM_000352.6(ABCC8):c.1282C>G (p.Leu428Val)

Gene: ABCC8 (ATP binding cassette subfamily C member 8; minus strand). Cytogenetic location: 11p15.1.
Variant type: single nucleotide variant.
Coding change: c.1282C>G on transcript NM_000352.6 (MANE Select); coding-DNA position 1282, C replaced by G.
Protein change: p.Leu428Val; replaces leucine 428 with valine.
Molecular consequence: missense variant. On other transcripts: non-coding transcript variant (1).
Genome position (GRCh38, 1-based): chr11:17,448,566, G>C on the plus strand (C>G on the coding strand, the complement: ABCC8 is on the minus strand). VCF-style: chr11-17448566-G-C. GRCh37 (hg19) VCF-style: chr11-17470113-G-C.
Other names: c.1282C>G, p.Leu428Val (NM_001287174.3, NM_001351295.2); c.1279C>G, p.Leu427Val (NM_001351296.2, NM_001351297.2); short protein forms L427V, L428V.
Identifiers: ClinVar variation 877308 (VCV000877308.5), dbSNP rs1956631543, ClinGen allele CA379768604.